The following is an entry in ClinVar:

NM_001286445.3(RIPOR2):c.1164+475G>T

Gene: RIPOR2 (RHO family interacting cell polarization regulator 2; minus strand). Cytogenetic location: 6p22.3.
Variant type: single nucleotide variant.
Coding change: c.1164+475G>T on transcript NM_001286445.3 (MANE Select); 475 bases into the intron after coding-DNA position 1164, G replaced by T.
Molecular consequence: intron variant. On other transcripts: nonsense (1).
Genome position (GRCh38, 1-based): chr6:24,847,550, C>A on the plus strand (G>T on the coding strand, the complement: RIPOR2 is on the minus strand). VCF-style: chr6-24847550-C-A. GRCh37 (hg19) VCF-style: chr6-24847778-C-A.
Other names: c.1219G>T, p.Glu407Ter (NM_014722.5); c.1077+475G>T (NM_001346031.2, NM_001346032.2, NM_015864.5 and 1 more transcripts); c.1179+475G>T (NM_001286446.3); short protein forms E407*.
Identifiers: ClinVar variation 3367340 (VCV003367340.1).

ClinVar aggregate classification (germline): Uncertain significance (1 of 4 stars; one submission).

Submission:

GeneDx
Classification: Uncertain significance. Last evaluated: 2024-01-03. Review status: criteria provided, single submitter. Criteria: GeneDx Variant Classification Process June 2021. Collection method: clinical testing. Allele origin: germline. Affected: yes.
Comment: Nonsense variant predicted to result in protein truncation or nonsense mediated decay in a gene or region of a gene for which loss of function is not a well-established mechanism of disease; Not observed at significant frequency in large population cohorts (gnomAD); Has not been previously published as pathogenic or benign to our knowledge; Variants in candidate genes are classified as variants of uncertain significance in accordance with ACMG guidelines (PMID: 25741868)